The following is an entry in ClinVar:

NM_001170629.2(CHD8):c.1349G>A (p.Arg450His)

Gene: CHD8 (chromodomain helicase DNA binding protein 8; minus strand). Cytogenetic location: 14q11.2.
Variant type: single nucleotide variant.
Coding change: c.1349G>A on transcript NM_001170629.2 (MANE Select); coding-DNA position 1349, G replaced by A.
Protein change: p.Arg450His; replaces arginine 450 with histidine.
Molecular consequence: missense variant.
Genome position (GRCh38, 1-based): chr14:21,428,121, C>T on the plus strand (G>A on the coding strand, the complement: CHD8 is on the minus strand). VCF-style: chr14-21428121-C-T. GRCh37 (hg19) VCF-style: chr14-21896280-C-T.
Other names: c.512G>A, p.Arg171His (NM_020920.4); short protein forms R171H, R450H.
Identifiers: ClinVar variation 3620229 (VCV003620229.2).

ClinVar aggregate classification (germline): Uncertain significance (1 of 4 stars; one submission).

gnomAD v4.1: 3 of 1,614,016 alleles (0.00019%); highest among the groups gnomAD compares: Admixed American, 0.0017%; no homozygotes.

Submission:

Labcorp Genetics (formerly Invitae), Labcorp
Classification: Uncertain significance. Last evaluated: 2024-07-16. Review status: criteria provided, single submitter. Criteria: Invitae Variant Classification Sherloc (09022015). Collection method: clinical testing. Allele origin: germline.
Comment: This sequence change replaces arginine, which is basic and polar, with histidine, which is basic and polar, at codon 450 of the CHD8 protein (p.Arg450His). This variant is present in population databases (rs774081833, gnomAD 0.003%). This variant has not been reported in the literature in individuals affected with CHD8-related conditions. Advanced modeling of protein sequence and biophysical properties (such as structural, functional, and spatial information, amino acid conservation, physicochemical variation, residue mobility, and thermodynamic stability) performed at Invitae indicates that this missense variant is not expected to disrupt CHD8 protein function with a negative predictive value of 80%. In summary, the available evidence is currently insufficient to determine the role of this variant in disease. Therefore, it has been classified as a Variant of Uncertain Significance.